The following is an entry in ClinVar:

ClinVar aggregate classification (germline): Uncertain significance. Review status: criteria provided, multiple submitters, no conflicts (2 of 4 stars). 4 submissions from 4 submitters: Uncertain significance (3). 1 of the submissions does not count toward it. Last evaluated 2024-05-14.

Conditions:
RAB3GAP1-related disorder. Also called: RAB3GAP1-related condition; RAB3GAP1-related disorders.
Inborn genetic diseases. Identifiers: MedGen C0950123, MeSH D030342.

Allele frequency attached by ClinVar (database versions not stated): gnomAD 0.00001; gnomAD exomes 0.00001 and 0.00002; ExAC 0.00002; TOPMed 0.00003.
gnomAD v4.1: 24 of 1,613,956 alleles (0.0015%); highest among the groups gnomAD compares: Admixed American, 0.0033%; no homozygotes.

Submissions (4):

Ambry Genetics
Classification: Uncertain significance for Inborn genetic diseases. Last evaluated: 2024-05-14. Review status: criteria provided, single submitter. Criteria: Ambry Variant Classification Scheme 2023. Collection method: clinical testing. Allele origin: germline.

Labcorp Genetics (formerly Invitae), Labcorp
Classification: Uncertain significance. Last evaluated: 2022-04-13. Review status: criteria provided, single submitter. Criteria: Invitae Variant Classification Sherloc (09022015). Collection method: clinical testing. Allele origin: germline.
Comment: Algorithms developed to predict the effect of missense changes on protein structure and function output the following: SIFT: "Tolerated"; PolyPhen-2: "Benign"; Align-GVGD: "Class C0". The valine amino acid residue is found in multiple mammalian species, which suggests that this missense change does not adversely affect protein function. ClinVar contains an entry for this variant (Variation ID: 805268). This variant has not been reported in the literature in individuals affected with RAB3GAP1-related conditions. This variant is present in population databases (rs750345824, gnomAD 0.007%). This sequence change replaces isoleucine, which is neutral and non-polar, with valine, which is neutral and non-polar, at codon 154 of the RAB3GAP1 protein (p.Ile154Val). In summary, the available evidence is currently insufficient to determine the role of this variant in disease. Therefore, it has been classified as a Variant of Uncertain Significance.

Athena Diagnostics
Classification: Uncertain significance. Last evaluated: 2018-10-30. Review status: criteria provided, single submitter. Criteria: Athena Diagnostics Criteria. Collection method: clinical testing. Allele origin: germline.

PreventionGenetics, part of Exact Sciences
Classification: Uncertain significance for RAB3GAP1-related condition. Last evaluated: 2024-05-30. Review status: no assertion criteria provided. Collection method: clinical testing. Allele origin: germline. Not counted in ClinVar's aggregate classification.
Comment: The RAB3GAP1 c.460A>G variant is predicted to result in the amino acid substitution p.Ile154Val. To our knowledge, this variant has not been reported in the literature. This variant is reported in 0.0062% of alleles in individuals of African descent in gnomAD. At this time, the clinical significance of this variant is uncertain due to the absence of conclusive functional and genetic evidence.

NM_012233.3(RAB3GAP1):c.460A>G (p.Ile154Val)

Gene: RAB3GAP1 (RAB3 GTPase activating protein catalytic subunit 1; plus strand). Cytogenetic location: 2q21.3.
Variant type: single nucleotide variant.
Coding change: c.460A>G on transcript NM_012233.3 (MANE Select); coding-DNA position 460, A replaced by G.
Protein change: p.Ile154Val; replaces isoleucine 154 with valine.
Molecular consequence: missense variant.
Genome position (GRCh38, 1-based): chr2:135,113,248, A>G. VCF-style: chr2-135113248-A-G. GRCh37 (hg19) VCF-style: chr2-135870818-A-G.
Other names: c.460A>G, p.Ile154Val (NM_001172435.2); c.460A>G (NM_012233.2); short protein forms I154V.
Identifiers: ClinVar variation 805268 (VCV000805268.7), dbSNP rs750345824, ClinGen allele CA1884535.